The following is an entry in ClinVar:

NM_024757.5(EHMT1):c.1438A>G (p.Met480Val)

Gene: EHMT1 (euchromatic histone lysine methyltransferase 1; plus strand). Cytogenetic location: 9q34.3.
Variant type: single nucleotide variant.
Coding change: c.1438A>G on transcript NM_024757.5 (MANE Select); coding-DNA position 1438, A replaced by G.
Protein change: p.Met480Val; replaces methionine 480 with valine.
Molecular consequence: missense variant.
Genome position (GRCh38, 1-based): chr9:137,757,948, A>G. VCF-style: chr9-137757948-A-G. GRCh37 (hg19) VCF-style: chr9-140652400-A-G.
Other names: c.1438A>G (NM_024757.4); c.1438A>G, p.Met480Val (NM_001145527.2, NM_001354611.2); c.1345A>G, p.Met449Val (NM_001354259.2, NM_001354612.2); c.1417A>G, p.Met473Val (NM_001354263.2); short protein forms M480V, M473V, M449V.
Identifiers: ClinVar variation 2199551 (VCV002199551.5), dbSNP rs150398744, ClinGen allele CA5374625.

ClinVar aggregate classification (germline): Conflicting classifications of pathogenicity. Review status: criteria provided, conflicting classifications (1 of 4 stars). 2 submissions from 2 submitters: Uncertain significance (1); Likely benign (1). Last evaluated 2026-08-16.

Conditions:
Kleefstra syndrome 1 (KLEFS1). Identifiers: Orphanet 261494, MedGen C0795833, MONDO:0027407, OMIM 610253.
Inborn genetic diseases. Identifiers: MedGen C0950123, MeSH D030342.

Allele frequency attached by ClinVar (database versions not stated): gnomAD 0.00001; ESP Exome Variant Server 0.00008; ExAC 0.00001.
gnomAD v4.1: 9 of 1,613,964 alleles (0.00056%); highest among the groups gnomAD compares: African/African-American, 0.0027%; no homozygotes.

Submissions (2):

Ambry Genetics
Classification: Uncertain significance for Inborn genetic diseases. Last evaluated: 2026-08-16. Review status: criteria provided, single submitter. Criteria: Ambry Variant Classification Scheme 2023. Collection method: clinical testing. Allele origin: germline.
Comment: The c.1438A>G (p.M480V) alteration is located in exon 9 (coding exon 9) of the EHMT1 gene. This alteration results from a A to G substitution at nucleotide position 1438, causing the methionine (M) at amino acid position 480 to be replaced by a valine (V). Based on data from gnomAD, the G allele has an overall frequency of 0.001% (2/251488) total alleles studied. The highest observed frequency was 0.006% (1/16256) of African alleles. Based on insufficient or conflicting evidence, the clinical significance of this alteration remains unclear.

Labcorp Genetics (formerly Invitae), Labcorp
Classification: Likely benign for Kleefstra syndrome 1. Last evaluated: 2022-04-16. Review status: criteria provided, single submitter. Criteria: Invitae Variant Classification Sherloc (09022015). Collection method: clinical testing. Allele origin: germline.